The following is an entry in ClinVar:

NM_016151.4(TAOK2):c.2476C>T (p.Pro826Ser)

Gene: TAOK2 (TAO kinase 2; plus strand). Cytogenetic location: 16p11.2.
Variant type: single nucleotide variant.
Coding change: c.2476C>T on transcript NM_016151.4 (MANE Select); coding-DNA position 2476, C replaced by T.
Protein change: p.Pro826Ser; replaces proline 826 with serine.
Molecular consequence: missense variant. On other transcripts: intron variant (2).
Genome position (GRCh38, 1-based): chr16:29,986,748, C>T. VCF-style: chr16-29986748-C-T. GRCh37 (hg19) VCF-style: chr16-29998069-C-T.
Other names: c.2232+244C>T (NM_004783.4); c.2233-96C>T (NM_001252043.2); short protein forms P826S.
Identifiers: ClinVar variation 1448726 (VCV001448726.6), dbSNP rs749234269, ClinGen allele CA7998395.
Genomic context (GRCh38, chr16:29,986,748, plus strand): 5'-GGGGCCACTTTGGAGCCCAAGCAGCAGAGGATTCTGGGGGAAGAATCAGGAGCCCCTAGT[C>T]CCAGTCCACAAAAACATGGGAGCCTGGTTGATGAGGAAGTTTGGGGTCTGCCTGAGGAGA-3'
Protein context (NP_057235.2, residues 816-836): ILGEESGAPS[Pro826Ser]SPQKHGSLVD

ClinVar aggregate classification (germline): Uncertain significance (1 of 4 stars; one submission).

Allele frequency attached by ClinVar (database versions not stated): gnomAD 0.00001; TOPMed 0.00001; ExAC 0.00002; gnomAD exomes 0.00002 and 0.00003.
gnomAD v4.1: 19 of 1,613,896 alleles (0.0012%); highest among the groups gnomAD compares: Non-Finnish European, 0.0013%; no homozygotes.

Submission:

Labcorp Genetics (formerly Invitae), Labcorp
Classification: Uncertain significance. Last evaluated: 2024-03-29. Review status: criteria provided, single submitter. Criteria: Invitae Variant Classification Sherloc (09022015). Collection method: clinical testing. Allele origin: germline.
Comment: This sequence change replaces proline, which is neutral and non-polar, with serine, which is neutral and polar, at codon 826 of the TAOK2 protein (p.Pro826Ser). This variant is present in population databases (rs749234269, gnomAD 0.003%). This variant has not been reported in the literature in individuals affected with TAOK2-related conditions. ClinVar contains an entry for this variant (Variation ID: 1448726). Algorithms developed to predict the effect of missense changes on protein structure and function output the following: SIFT: "Not Available"; PolyPhen-2: "Benign"; Align-GVGD: "Not Available". The serine amino acid residue is found in multiple mammalian species, which suggests that this missense change does not adversely affect protein function. In summary, the available evidence is currently insufficient to determine the role of this variant in disease. Therefore, it has been classified as a Variant of Uncertain Significance.